The following is an entry in ClinVar:

ClinVar aggregate classification (germline): Uncertain significance (1 of 4 stars; one submission).

Allele frequency attached by ClinVar (database versions not stated): gnomAD exomes below 0.00001; ExAC 0.00001; TOPMed 0.00001.

Submission:

Labcorp Genetics (formerly Invitae), Labcorp
Classification: Uncertain significance. Last evaluated: 2023-10-13. Review status: criteria provided, single submitter. Criteria: Invitae Variant Classification Sherloc (09022015). Collection method: clinical testing. Allele origin: germline.
Comment: This sequence change falls in intron 3 of the IDH3B gene. It does not directly change the encoded amino acid sequence of the IDH3B protein. It affects a nucleotide within the consensus splice site. This variant is present in population databases (rs776739072, gnomAD 0.0009%). This variant has not been reported in the literature in individuals affected with IDH3B-related conditions. ClinVar contains an entry for this variant (Variation ID: 934276). Variants that disrupt the consensus splice site are a relatively common cause of aberrant splicing (PMID: 17576681, 9536098). Algorithms developed to predict the effect of sequence changes on RNA splicing suggest that this variant is not likely to affect RNA splicing. In summary, the available evidence is currently insufficient to determine the role of this variant in disease. Therefore, it has been classified as a Variant of Uncertain Significance.

Literature cited by the submitters: PubMed 17576681; PubMed 9536098.

NM_006899.5(IDH3B):c.216+3G>T

Gene: IDH3B (isocitrate dehydrogenase (NAD(+)) 3 non-catalytic subunit beta; minus strand). Cytogenetic location: 20p13.
Variant type: single nucleotide variant.
Coding change: c.216+3G>T on transcript NM_006899.5 (MANE Select); 3 bases into the intron after coding-DNA position 216, G replaced by T.
Molecular consequence: intron variant.
Genome position (GRCh38, 1-based): chr20:2,663,657, C>A on the plus strand (G>T on the coding strand, the complement: IDH3B is on the minus strand). VCF-style: chr20-2663657-C-A. GRCh37 (hg19) VCF-style: chr20-2644303-C-A.
Other names: c.216+3G>T (NM_174855.4, NM_001330763.2, NM_001258384.3).
Identifiers: ClinVar variation 934276 (VCV000934276.7), dbSNP rs776739072, ClinGen allele CA9735364.